The following is an entry in ClinVar:

NM_004333.6(BRAF):c.1183A>T (p.Thr395Ser)

Gene: BRAF (B-Raf proto-oncogene, serine/threonine kinase; minus strand). Cytogenetic location: 7q34.
Variant type: single nucleotide variant.
Coding change: c.1183A>T on transcript NM_004333.6 (MANE Select); coding-DNA position 1183, A replaced by T.
Protein change: p.Thr395Ser; replaces threonine 395 with serine.
Molecular consequence: missense variant. On other transcripts: intron variant (2).
Genome position (GRCh38, 1-based): chr7:140,783,152, T>A on the plus strand (A>T on the coding strand, the complement: BRAF is on the minus strand). VCF-style: chr7-140783152-T-A. GRCh37 (hg19) VCF-style: chr7-140482952-T-A.
Other names: c.1183A>T, p.Thr395Ser (NM_001354609.2, NM_001378468.1, NM_001378474.1); c.1303A>T, p.Thr435Ser (NM_001374244.1, NM_001374258.1); c.1192A>T, p.Thr398Ser (NM_001378467.1); c.1081A>T, p.Thr361Ser (NM_001378470.1); c.1027A>T, p.Thr343Ser (NM_001378472.1, NM_001378473.1); c.919A>T, p.Thr307Ser (NM_001378475.1); c.1141-69A>T (NM_001378471.1); c.1178-61A>T (NM_001378469.1); short protein forms T395S, T398S, T307S, T343S, T435S, T361S.
Identifiers: ClinVar variation 4739995 (VCV004739995.1).

ClinVar aggregate classification (germline): Uncertain significance (1 of 4 stars; one submission).

Conditions:
RASopathy. Also called: rasopathies; Noonan spectrum disorder. Identifiers: Orphanet 536391, MedGen C5555857, MONDO:0021060.

Submission:

Labcorp Genetics (formerly Invitae), Labcorp
Classification: Uncertain significance for RASopathy. Last evaluated: 2025-06-22. Review status: criteria provided, single submitter. Criteria: Invitae Variant Classification Sherloc (09022015). Collection method: clinical testing. Allele origin: germline.
Comment: This sequence change replaces threonine, which is neutral and polar, with serine, which is neutral and polar, at codon 395 of the BRAF protein (p.Thr395Ser). This variant is not present in population databases (gnomAD no frequency). This variant has not been reported in the literature in individuals affected with BRAF-related conditions. Invitae Evidence Modeling of protein sequence and biophysical properties (such as structural, functional, and spatial information, amino acid conservation, physicochemical variation, residue mobility, and thermodynamic stability) indicates that this missense variant is not expected to disrupt BRAF protein function with a negative predictive value of 80%. In summary, the available evidence is currently insufficient to determine the role of this variant in disease. Therefore, it has been classified as a Variant of Uncertain Significance.